The following is an entry in ClinVar:

NM_021035.3(ZNFX1):c.1120C>T (p.Arg374Trp)

Gene: ZNFX1 (zinc finger NFX1-type containing 1; minus strand). Cytogenetic location: 20q13.13.
Variant type: single nucleotide variant.
Coding change: c.1120C>T on transcript NM_021035.3 (MANE Select); coding-DNA position 1120, C replaced by T.
Protein change: p.Arg374Trp; replaces arginine 374 with tryptophan.
Molecular consequence: missense variant.
Genome position (GRCh38, 1-based): chr20:49,270,692, G>A on the plus strand (C>T on the coding strand, the complement: ZNFX1 is on the minus strand). VCF-style: chr20-49270692-G-A. GRCh37 (hg19) VCF-style: chr20-47887229-G-A.
Other names: short protein forms R374W.
Identifiers: ClinVar variation 4813297 (VCV004813297.1).

ClinVar aggregate classification (germline): Uncertain significance (1 of 4 stars; one submission).

Conditions:
Immunodeficiency 91 and hyperinflammation. Identifiers: MedGen C5562073, MONDO:0030491, OMIM 619644.

gnomAD v4.1: 11 of 1,614,150 alleles (0.00068%); highest among the groups gnomAD compares: African/African-American, 0.0027%; no homozygotes.

Submission:

Ozbek Human Genetics Laboratory, Izmir Biomedicine and Genome Center
Classification: Uncertain significance for Immunodeficiency 91 and hyperinflammation. Last evaluated: 2025-04-22. Review status: criteria provided, single submitter. Criteria: ACMG Guidelines, 2015. Collection method: research. Allele origin: unknown. Affected: yes. Observed: 1 variant allele, 1 heterozygote.
Comment: A heterozygous missense variant, c.1120C>T (p.Arg374Trp), was identified in exon 3 of the ZNFX1 gene (NM_021035.3). This variant was observed to be absent in population databases (PM2). In silico algorithms (REVEL, MetaLR, SIFT) predict a deleterious effect at the protein level (PP3). In light of this evidence, the variant is classified as a Variant of Uncertain Significance (VUS) according to ACMG criteria. In the literature, deleterious biallelic variants in this gene have been associated with cases characterized by susceptibility to viral infections, multisystemic inflammation, and episodic fever. An increased response of the NLRP3 inflammasome complex has been demonstrated in its pathogenesis. Although rare among reported cases, instances of this condition in a heterozygous form have been described. Data obtained via the RAREBOOST project (Horizon 2020 ERA Chairs at Izmir Biomedicine and Genome Center - IBG)

Literature cited by the submitters: PubMed 33876776; PubMed 34708404; PubMed 39333773.